The following is an entry in ClinVar:

NM_006172.4(NPPA):c.338G>C (p.Ser113Thr)

Genes: NPPA (natriuretic peptide A; minus strand), NPPA-AS1 (NPPA antisense RNA 1; plus strand), LOC114827827 (VISTA enhancer hs2123; plus strand). Cytogenetic location: 1p36.22.
Variant type: single nucleotide variant.
Coding change: c.338G>C on transcript NM_006172.4 (MANE Select); coding-DNA position 338, G replaced by C.
Protein change: p.Ser113Thr; replaces serine 113 with threonine.
Molecular consequence: missense variant.
Genome position (GRCh38, 1-based): chr1:11,847,225, C>G on the plus strand (G>C on the coding strand, the complement: NPPA is on the minus strand). VCF-style: chr1-11847225-C-G. GRCh37 (hg19) VCF-style: chr1-11907282-C-G.
Other names: c.338G>C (NM_006172.3); short protein forms S113T.
Identifiers: ClinVar variation 1061540 (VCV001061540.10), dbSNP rs948758051, ClinGen allele CA18010657.

ClinVar aggregate classification (germline): Uncertain significance. Review status: criteria provided, multiple submitters, no conflicts (2 of 4 stars). 2 submissions from 2 submitters: Uncertain significance (2). Last evaluated 2024-07-31.

Conditions:
Atrial fibrillation, familial, 6 (ATFB6). Identifiers: MedGen C2677294, MONDO:0012816, OMIM 612201.
Inborn genetic diseases. Identifiers: MedGen C0950123, MeSH D030342.

Allele frequency attached by ClinVar (database versions not stated): gnomAD exomes 0.00001; TOPMed 0.00003; gnomAD 0.00005.
gnomAD v4.1: 18 of 1,612,266 alleles (0.0011%); highest among the groups gnomAD compares: Admixed American, 0.015%; no homozygotes.

Submissions (2):

Ambry Genetics
Classification: Uncertain significance for Inborn genetic diseases. Last evaluated: 2024-07-31. Review status: criteria provided, single submitter. Criteria: Ambry Variant Classification Scheme 2023. Collection method: clinical testing. Allele origin: germline.

Labcorp Genetics (formerly Invitae), Labcorp
Classification: Uncertain significance for Atrial fibrillation, familial, 6. Last evaluated: 2020-04-27. Review status: criteria provided, single submitter. Criteria: Invitae Variant Classification Sherloc (09022015). Collection method: clinical testing. Allele origin: germline.
Comment: This sequence change replaces serine with threonine at codon 113 of the NPPA protein (p.Ser113Thr). The serine residue is highly conserved and there is a small physicochemical difference between serine and threonine. In summary, the available evidence is currently insufficient to determine the role of this variant in disease. Therefore, it has been classified as a Variant of Uncertain Significance. Algorithms developed to predict the effect of missense changes on protein structure and function (SIFT, PolyPhen-2, Align-GVGD) all suggest that this variant is likely to be tolerated, but these predictions have not been confirmed by published functional studies and their clinical significance is uncertain. This variant has not been reported in the literature in individuals with NPPA-related conditions. This variant is not present in population databases (ExAC no frequency).